The following is an entry in ClinVar:

ClinVar aggregate classification (germline): Uncertain significance (1 of 4 stars; one submission).

Allele frequency attached by ClinVar (database versions not stated): gnomAD 0.00005; TOPMed 0.00007.
gnomAD v4.1: 50 of 1,612,888 alleles (0.0031%); highest among the groups gnomAD compares: Admixed American, 0.017%; no homozygotes.

Submission:

Labcorp Genetics (formerly Invitae), Labcorp
Classification: Uncertain significance. Last evaluated: 2026-01-26. Review status: criteria provided, single submitter. Criteria: Invitae Variant Classification Sherloc (09022015). Collection method: clinical testing. Allele origin: germline.
Comment: This sequence change replaces arginine, which is basic and polar, with cysteine, which is neutral and slightly polar, at codon 544 of the TONSL protein (p.Arg544Cys). This variant is present in population databases (rs760265275, gnomAD 0.03%). This variant has not been reported in the literature in individuals affected with TONSL-related conditions. ClinVar contains an entry for this variant (Variation ID: 2144264). Invitae Evidence Modeling of protein sequence and biophysical properties (such as structural, functional, and spatial information, amino acid conservation, physicochemical variation, residue mobility, and thermodynamic stability) indicates that this missense variant is expected to disrupt TONSL protein function with a positive predictive value of 80%. In summary, the available evidence is currently insufficient to determine the role of this variant in disease. Therefore, it has been classified as a Variant of Uncertain Significance.

NM_013432.5(TONSL):c.1630C>T (p.Arg544Cys)

Genes: TONSL (tonsoku like, DNA repair protein; minus strand), TONSL-AS1 (TONSL antisense RNA 1; plus strand). Cytogenetic location: 8q24.3.
Variant type: single nucleotide variant.
Coding change: c.1630C>T on transcript NM_013432.5 (MANE Select); coding-DNA position 1630, C replaced by T.
Protein change: p.Arg544Cys; replaces arginine 544 with cysteine.
Molecular consequence: missense variant.
Genome position (GRCh38, 1-based): chr8:144,438,494, G>A on the plus strand (C>T on the coding strand, the complement: TONSL is on the minus strand). VCF-style: chr8-144438494-G-A. GRCh37 (hg19) VCF-style: chr8-145663877-G-A.
Other names: short protein forms R544C.
Identifiers: ClinVar variation 2144264 (VCV002144264.2), dbSNP rs760265275, ClinGen allele CA4943137.
Genomic context (GRCh38, chr8:144,438,494, plus strand): 5'-CTAGGCAGCCTGTCCCACGTCCCAGAGCGGGGCCCACCTGCCTCACAAGGTCCTGGACGC[G>A]GCGCAGCTGGCCCTCGATGCAGGCTCGGTGCAGCAGGGTCTCCCCCATGTCGTTTCGCCG-3'
Protein context (NP_038460.4, residues 534-554): HRACIEGQLR[Arg544Cys]VQDLVRQGHP